The following is an entry in ClinVar:

NM_015102.5(NPHP4):c.2215G>T (p.Ala739Ser)

Gene: NPHP4 (nephrocystin 4; minus strand). Cytogenetic location: 1p36.31.
Variant type: single nucleotide variant.
Coding change: c.2215G>T on transcript NM_015102.5 (MANE Select); coding-DNA position 2215, G replaced by T.
Protein change: p.Ala739Ser; replaces alanine 739 with serine.
Molecular consequence: missense variant. On other transcripts: non-coding transcript variant (1).
Genome position (GRCh38, 1-based): chr1:5,890,957, C>A on the plus strand (G>T on the coding strand, the complement: NPHP4 is on the minus strand). VCF-style: chr1-5890957-C-A. GRCh37 (hg19) VCF-style: chr1-5951017-C-A.
Other names: c.676G>T, p.Ala226Ser (NM_001291593.2); c.679G>T, p.Ala227Ser (NM_001291594.2); short protein forms A226S, A227S, A739S.
Identifiers: ClinVar variation 4806949 (VCV004806949.1).

ClinVar aggregate classification (germline): Uncertain significance (1 of 4 stars; one submission).

Conditions:
Nephronophthisis. Also called: Juvenile Nephronophthisis. Identifiers: Orphanet 655, MedGen C0687120, MONDO:0019005, HP:0000090.

Submission:

Labcorp Genetics (formerly Invitae), Labcorp
Classification: Uncertain significance for Nephronophthisis. Last evaluated: 2025-09-05. Review status: criteria provided, single submitter. Criteria: Invitae Variant Classification Sherloc (09022015). Collection method: clinical testing. Allele origin: germline.
Comment: This sequence change replaces alanine, which is neutral and non-polar, with serine, which is neutral and polar, at codon 739 of the NPHP4 protein (p.Ala739Ser). This variant is not present in population databases (gnomAD no frequency). This variant has not been reported in the literature in individuals affected with NPHP4-related conditions. Invitae Evidence Modeling of protein sequence and biophysical properties (such as structural, functional, and spatial information, amino acid conservation, physicochemical variation, residue mobility, and thermodynamic stability) indicates that this missense variant is not expected to disrupt NPHP4 protein function with a negative predictive value of 80%. In summary, the available evidence is currently insufficient to determine the role of this variant in disease. Therefore, it has been classified as a Variant of Uncertain Significance.